The following is an entry in ClinVar:

ClinVar aggregate classification (germline): Uncertain significance (1 of 4 stars; one submission).

Conditions:
Cranium bifidum occultum. Also called: Enlarged Parietal Foramina; CATLIN MARKS; CRANIUM BIFIDUM, HEREDITARY. Identifiers: MedGen C1868598, HP:0004423.

gnomAD v4.1: 6 of 1,614,130 alleles (0.00037%); highest among the groups gnomAD compares: Non-Finnish European, 0.00034%; no homozygotes.

Submission:

Labcorp Genetics (formerly Invitae), Labcorp
Classification: Uncertain significance for Cranium bifidum occultum. Last evaluated: 2025-10-11. Review status: criteria provided, single submitter. Criteria: Invitae Variant Classification Sherloc (09022015). Collection method: clinical testing. Allele origin: germline.
Comment: This sequence change replaces arginine, which is basic and polar, with cysteine, which is neutral and slightly polar, at codon 146 of the MSX2 protein (p.Arg146Cys). This variant is present in population databases (rs756030049, gnomAD 0.01%). This variant has not been reported in the literature in individuals affected with MSX2-related conditions. ClinVar contains an entry for this variant (Variation ID: 3702910). Invitae Evidence Modeling of protein sequence and biophysical properties (such as structural, functional, and spatial information, amino acid conservation, physicochemical variation, residue mobility, and thermodynamic stability) indicates that this missense variant is expected to disrupt MSX2 protein function with a positive predictive value of 80%. In summary, the available evidence is currently insufficient to determine the role of this variant in disease. Therefore, it has been classified as a Variant of Uncertain Significance.

NM_002449.5(MSX2):c.436C>T (p.Arg146Cys)

Gene: MSX2 (msh homeobox 2; plus strand). Cytogenetic location: 5q35.2.
Variant type: single nucleotide variant.
Coding change: c.436C>T on transcript NM_002449.5 (MANE Select); coding-DNA position 436, C replaced by T.
Protein change: p.Arg146Cys; replaces arginine 146 with cysteine.
Molecular consequence: missense variant. On other transcripts: 3 prime UTR variant (1).
Genome position (GRCh38, 1-based): chr5:174,729,215, C>T. VCF-style: chr5-174729215-C-T. GRCh37 (hg19) VCF-style: chr5-174156218-C-T.
Other names: c.*60C>T (NM_001363626.2); short protein forms R146C.
Identifiers: ClinVar variation 3702910 (VCV003702910.2).
Genomic context (GRCh38, chr5:174,729,215, plus strand): 5'-CTAGGACATATGAGCCCTACCACCTGCACCCTGAGGAAACACAAGACCAATCGGAAGCCG[C>T]GCACGCCCTTTACCACATCCCAGCTCCTCGCCCTGGAGCGCAAGTTCCGTCAGAAACAGT-3'
Protein context (NP_002440.2, residues 136-156): LRKHKTNRKP[Arg146Cys]TPFTTSQLLA